The following is an entry in ClinVar:

ClinVar aggregate classification (germline): Benign/Likely benign. Review status: criteria provided, multiple submitters, no conflicts (2 of 4 stars). 5 submissions from 5 submitters: Benign (1); Likely benign (2). 2 of the submissions do not count toward it. Last evaluated 2026-01-27.

Conditions:
Hyperprolinemia type 2 (HYRPRO2). Also called: 1-PYRROLINE-5-CARBOXYLATE DEHYDROGENASE DEFICIENCY; Deficiency of pyrroline-5-carboxylate reductase; Delta-1-pyrroline-5-carboxylate dehydrogenase deficiency. Identifiers: Orphanet 79101, MedGen C2931835, MONDO:0009401, OMIM 239510.

Allele frequency attached by ClinVar (database versions not stated): 1000 Genomes Project 30x 0.00828; 1000 Genomes Project 0.00879; ESP Exome Variant Server 0.01169; TOPMed 0.01198; gnomAD 0.01334 and 0.01360; gnomAD exomes 0.01637; ExAC 0.02256.
gnomAD v4.1: 26,218 of 1,608,354 alleles (1.6%); highest among the groups gnomAD compares: Middle Eastern, 5.7%; 281 homozygotes.

Submissions (5):

Labcorp Genetics (formerly Invitae), Labcorp
Classification: Benign for Hyperprolinemia type 2. Last evaluated: 2026-01-27. Review status: criteria provided, single submitter. Criteria: Invitae Variant Classification Sherloc (09022015). Collection method: clinical testing. Allele origin: germline.

Illumina Laboratory Services, Illumina
Classification: Likely benign for Hyperprolinemia type 2. Last evaluated: 2018-01-12. Review status: criteria provided, single submitter. Criteria: ICSL Variant Classification Criteria 13 December 2019. Collection method: clinical testing. Allele origin: germline.
Comment: This variant was observed in the ICSL laboratory as part of a predisposition screen in an ostensibly healthy population. It had not been previously curated by ICSL or reported in the Human Gene Mutation Database (HGMD: prior to June 1st, 2018), and was therefore a candidate for classification through an automated scoring system. Utilizing variant allele frequency, disease prevalence and penetrance estimates, and inheritance mode, an automated score was calculated to assess if this variant is too frequent to cause the disease. Based on the score and internal cut-off values, a variant classified as likely benign is not then subjected to further curation. The score for this variant resulted in a classification of likely benign for this disease.

Breakthrough Genomics
Classification: Likely benign. Review status: criteria provided, single submitter. Criteria: ACMG Guidelines, 2015. Collection method: not provided. Allele origin: germline. Inheritance: Autosomal recessive inheritance. Affected: yes.

Genome Diagnostics Laboratory, University Medical Center Utrecht
Classification: Likely benign. Review status: no assertion criteria provided. Collection method: clinical testing. Allele origin: germline. Affected: yes. Study: VKGL Data-share Consensus. Not counted in ClinVar's aggregate classification.

Laboratory of Diagnostic Genome Analysis, Leiden University Medical Center (LUMC)
Classification: Likely benign. Review status: no assertion criteria provided. Collection method: clinical testing. Allele origin: germline. Affected: yes. Study: VKGL Data-share Consensus. Not counted in ClinVar's aggregate classification.

NM_003748.4(ALDH4A1):c.1162T>C (p.Phe388Leu)

Gene: ALDH4A1 (aldehyde dehydrogenase 4 family member A1; minus strand). Cytogenetic location: 1p36.13.
Variant type: single nucleotide variant.
Coding change: c.1162T>C on transcript NM_003748.4 (MANE Select); coding-DNA position 1162, T replaced by C.
Protein change: p.Phe388Leu; replaces phenylalanine 388 with leucine.
Molecular consequence: missense variant.
Genome position (GRCh38, 1-based): chr1:18,877,231, A>G on the plus strand (T>C on the coding strand, the complement: ALDH4A1 is on the minus strand). VCF-style: chr1-18877231-A-G. GRCh37 (hg19) VCF-style: chr1-19203725-A-G.
Other names: c.982T>C, p.Phe328Leu (NM_001161504.2); c.1162T>C, p.Phe388Leu (NM_001319218.2, NM_170726.3); short protein forms F388L, F328L.
Identifiers: ClinVar variation 294377 (VCV000294377.17), dbSNP rs41273175, ClinGen allele CA647037.